The following is an entry in ClinVar:

ClinVar aggregate classification (germline): Uncertain significance. Review status: criteria provided, multiple submitters, no conflicts (2 of 4 stars). 5 submissions from 5 submitters: Uncertain significance (4). 1 of the submissions does not count toward it. Last evaluated 2021-11-18.

Conditions:
Charlevoix-Saguenay spastic ataxia (SACS). Also called: AUTOSOMAL RECESSIVE SPASTIC ATAXIA OF CHARLEVOIX-SAGUENAY; SPASTIC ATAXIA 6, AUTOSOMAL RECESSIVE; Spastic ataxia of Charlevoix-Saguenay. Identifiers: Orphanet 98, MedGen C1849140, MONDO:0010041, OMIM 270550.
Spastic paraplegia. Identifiers: MedGen C0037772, HP:0001258.

Submissions (5):

Fulgent Genetics
Classification: Uncertain significance for Charlevoix-Saguenay spastic ataxia. Last evaluated: 2021-11-18. Review status: criteria provided, single submitter. Criteria: ACMG Guidelines, 2015. Collection method: clinical testing. Allele origin: unknown.

Genome-Nilou Lab
Classification: Uncertain significance for Charlevoix-Saguenay spastic ataxia. Last evaluated: 2021-09-05. Review status: criteria provided, single submitter. Criteria: ACMG Guidelines, 2015. Collection method: clinical testing. Allele origin: germline. Affected: no.

Labcorp Genetics (formerly Invitae), Labcorp
Classification: Uncertain significance for Spastic paraplegia. Last evaluated: 2021-08-30. Review status: criteria provided, single submitter. Criteria: Invitae Variant Classification Sherloc (09022015). Collection method: clinical testing. Allele origin: germline.
Comment: This sequence change disrupts the translational stop signal of the SACS mRNA. It is expected to extend the length of the SACS protein by 10 additional amino acid residues. This variant is present in population databases (rs776682685, ExAC 0.02%). This variant has not been reported in the literature in individuals affected with SACS-related conditions. ClinVar contains an entry for this variant (Variation ID: 504206). Experimental studies and prediction algorithms are not available or were not evaluated, and the functional significance of this variant is currently unknown. In summary, the available evidence is currently insufficient to determine the role of this variant in disease. Therefore, it has been classified as a Variant of Uncertain Significance.

GeneDx
Classification: Uncertain significance. Last evaluated: 2018-01-26. Review status: criteria provided, single submitter. Criteria: GeneDx Variant Classification (06012015). Collection method: clinical testing. Allele origin: germline. Affected: yes.
Comment: The c.13738_13739delTG variant in the SACS gene has not been reported previously as a pathogenic variant, nor as a benign variant, to our knowledge. The c.13738_13739delTG variant causes a 10 amino acid extension of the protein at codon 4580, resulting in an extension of the stop codon, denoted p.X4580KextX10. The c.13738_13739delTG variant is not observed in large population cohorts (Lek et al., 2016). We interpret c.13738_13739delTG as a variant of uncertain significance.

Natera, Inc.
Classification: Uncertain significance for Charlevoix-Saguenay type spastic ataxia. Last evaluated: 2020-09-16. Review status: no assertion criteria provided. Collection method: clinical testing. Allele origin: germline. Not counted in ClinVar's aggregate classification.

NM_014363.6(SACS):c.13738_13739del (p.Ter4580LysextTer?)

Gene: SACS (sacsin molecular chaperone; minus strand). Cytogenetic location: 13q12.12.
Variant type: Microsatellite.
Coding change: c.13738_13739del on transcript NM_014363.6 (MANE Select); coding-DNA positions 13738 to 13739, 2 bases deleted (TG; older notation c.13738_13739delTG).
Protein change: p.Ter4580LysextTer?.
Molecular consequence: frameshift variant, stop lost.
Genome position (GRCh38, 1-based): chr13:23,330,137-23,330,138, CA deleted on the plus strand (TG on the coding strand, the reverse complement: SACS is on the minus strand); deleting any 2 consecutive bases within chr13:23,330,137-23,330,141 gives the same sequence; the c. name uses the placement nearest the transcript's 3' end. VCF-style (leftmost placement, unchanged base first): chr13-23330136-TCA-T. GRCh37 (hg19) VCF-style: chr13-23904275-TCA-T.
Other names: c.13297_13298del, p.Ter4433LysextTer? (NM_001278055.2); c.13738_13739delTG (NM_014363.6).
Identifiers: ClinVar variation 504206 (VCV000504206.9), dbSNP rs776682685, ClinGen allele CA6909924.